The following is an entry in ClinVar:

NM_203447.4(DOCK8):c.1692T>C (p.Tyr564=)

Gene: DOCK8 (dedicator of cytokinesis 8; plus strand). Cytogenetic location: 9p24.3.
Variant type: single nucleotide variant.
Coding change: c.1692T>C on transcript NM_203447.4 (MANE Select); coding-DNA position 1692, T replaced by C.
Protein change: p.Tyr564=; no amino-acid change (tyrosine 564 retained).
Molecular consequence: synonymous variant.
Genome position (GRCh38, 1-based): chr9:368,030, T>C. VCF-style: chr9-368030-T-C. GRCh37 (hg19) VCF-style: chr9-368030-T-C.
Other names: p.Y496Y:TAT>TAC; p.Tyr564=; c.1488T>C, p.Tyr496= (NM_001190458.2, NM_001193536.2).
Identifiers: ClinVar variation 137135 (VCV000137135.20), dbSNP rs10972587, ClinGen allele CA182969.

ClinVar aggregate classification (germline): Benign. Review status: criteria provided, multiple submitters, no conflicts (2 of 4 stars). 8 submissions from 8 submitters: Benign (8). Last evaluated 2026-02-04.

Conditions:
Combined immunodeficiency due to DOCK8 deficiency (HIES2). Also called: HIES autosomal recessive; HYPER-IgE RECURRENT INFECTION SYNDROME 2, AUTOSOMAL RECESSIVE; HYPER-IgE SYNDROME 2, AUTOSOMAL RECESSIVE, WITH RECURRENT INFECTIONS; DOCK8 Deficiency; Hyper-IgE recurrent infection syndrome, autosomal recessive. Identifiers: Orphanet 217390, MedGen C4722305, MONDO:0009478, OMIM 243700.

Allele frequency attached by ClinVar (database versions not stated): gnomAD exomes 0.04292 and 0.05638; ExAC 0.06273; gnomAD 0.12722 and 0.13521; 1000 Genomes Project 0.13019; TOPMed 0.13857; 1000 Genomes Project 30x 0.13960; ESP Exome Variant Server 0.14824.

Submissions (8):

Labcorp Genetics (formerly Invitae), Labcorp
Classification: Benign for Combined immunodeficiency due to DOCK8 deficiency. Last evaluated: 2026-02-04. Review status: criteria provided, single submitter. Criteria: Invitae Variant Classification Sherloc (09022015). Collection method: clinical testing. Allele origin: germline.

Women's Health and Genetics/Laboratory Corporation of America, LabCorp
Classification: Benign. Last evaluated: 2026-01-21. Review status: criteria provided, single submitter. Criteria: LabCorp Variant Classification Summary - May 2015. Collection method: clinical testing. Allele origin: germline.

Blueprint Genetics
Classification: Benign. Last evaluated: 2024-11-27. Review status: criteria provided, single submitter. Criteria: ACMG Guidelines, 2015. Collection method: clinical testing. Allele origin: germline.

Mayo Clinic Laboratories, Mayo Clinic
Classification: Benign. Last evaluated: 2019-03-18. Review status: criteria provided, single submitter. Criteria: ACMG Guidelines, 2015. Collection method: clinical testing. Allele origin: germline. Observed: 94 variant alleles.

Illumina Laboratory Services, Illumina
Classification: Benign for Combined immunodeficiency due to DOCK8 deficiency. Last evaluated: 2018-01-12. Review status: criteria provided, single submitter. Criteria: ICSL Variant Classification Criteria 13 December 2019. Collection method: clinical testing. Allele origin: germline.
Comment: This variant was observed in the ICSL laboratory as part of a predisposition screen in an ostensibly healthy population. It had not been previously curated by ICSL or reported in the Human Gene Mutation Database (HGMD: prior to June 1st, 2018), and was therefore a candidate for classification through an automated scoring system. Utilizing variant allele frequency, disease prevalence and penetrance estimates, and inheritance mode, an automated score was calculated to assess if this variant is too frequent to cause the disease. Based on the score and internal cut-off values, a variant classified as benign is not then subjected to further curation. The score for this variant resulted in a classification of benign for this disease.

GeneDx
Classification: Benign. Last evaluated: 2014-03-11. Review status: criteria provided, single submitter. Criteria: GeneDx Variant Classification (06012015). Collection method: clinical testing. Allele origin: germline. Affected: yes.
Comment: This variant is considered likely benign or benign based on one or more of the following criteria: it is a conservative change, it occurs at a poorly conserved position in the protein, it is predicted to be benign by multiple in silico algorithms, and/or has population frequency not consistent with disease.

Laboratory for Molecular Medicine, Mass General Brigham Personalized Medicine
Classification: Benign. Last evaluated: 2013-02-21. Review status: criteria provided, single submitter. Criteria: LMM Criteria. Collection method: clinical testing. Allele origin: germline. Observed: 12 variant alleles.
Comment: Tyr564Tyr in exon 15 of DOCK8: This variant is not expected to have clinical sig nificance because it does not alter an amino acid residue and is not located wit hin the splice consensus sequence. It has been identified in 36.0% (1584/4406) o f African American chromosomes from a broad population by the NHLBI Exome Sequen cing Project (dbSNP rs10972587).

Breakthrough Genomics
Classification: Benign. Review status: criteria provided, single submitter. Criteria: ACMG Guidelines, 2015. Collection method: not provided. Allele origin: germline. Inheritance: Autosomal recessive inheritance. Affected: yes.